The following is an entry in ClinVar:

ClinVar aggregate classification (germline): Uncertain significance (1 of 4 stars; one submission).

Conditions:
Hypertrophic cardiomyopathy. Also called: HYPERTROPHIC MYOCARDIOPATHY. Identifiers: Orphanet 217569, MedGen C0007194, MeSH D002312, MONDO:0005045, HP:0001639.

Submission:

Labcorp Genetics (formerly Invitae), Labcorp
Classification: Uncertain significance for Hypertrophic cardiomyopathy. Last evaluated: 2022-01-11. Review status: criteria provided, single submitter. Criteria: Invitae Variant Classification Sherloc (09022015). Collection method: clinical testing. Allele origin: germline.
Comment: This variant is not present in population databases (gnomAD no frequency). This sequence change falls in intron 17 of the MYH7 gene. It does not directly change the encoded amino acid sequence of the MYH7 protein. This variant has not been reported in the literature in individuals affected with MYH7-related conditions. Algorithms developed to predict the effect of sequence changes on RNA splicing suggest that this variant may create or strengthen a splice site. In summary, the available evidence is currently insufficient to determine the role of this variant in disease. Therefore, it has been classified as a Variant of Uncertain Significance.

NM_000257.4(MYH7):c.1957-13T>G

Gene: MYH7 (myosin heavy chain 7; minus strand). Cytogenetic location: 14q11.2.
Variant type: single nucleotide variant.
Coding change: c.1957-13T>G on transcript NM_000257.4 (MANE Select); 13 bases into the intron before coding-DNA position 1957, T replaced by G.
Molecular consequence: intron variant.
Genome position (GRCh38, 1-based): chr14:23,426,877, A>C on the plus strand (T>G on the coding strand, the complement: MYH7 is on the minus strand). VCF-style: chr14-23426877-A-C. GRCh37 (hg19) VCF-style: chr14-23896086-A-C.
Identifiers: ClinVar variation 2079148 (VCV002079148.4), dbSNP rs2502292894, ClinGen allele CA2580088016.
Genomic context (GRCh38, chr14:23,426,877, plus strand): 5'-GTGGGGATGGGTGGAGCGCAAGTTGGTCATCAGCTTGTTCAGATTTTCCTGTGGCCAAAA[A>C]TGCAATAGAGAAAAGTAAAGAAAATGCCAGAAAGAGATGCAGGAAGAAGAGAGGAGAAGA-3'